The following is an entry in ClinVar:

ClinVar aggregate classification (germline): Pathogenic (1 of 4 stars; one submission).

Submission:

GeneDx
Classification: Pathogenic. Last evaluated: 2015-12-03. Review status: criteria provided, single submitter. Criteria: GeneDx Variant Classification (06012015). Collection method: clinical testing. Allele origin: germline. Affected: yes.
Comment: This duplication of 2 nucleotides in APC is denoted c.3429_3430dupTA at the cDNA level and p.Ser1144IlefsX22 (S1144IfsX22) at the protein level. The normal sequence, with the bases that are duplicated in braces, is ATTA[TA]GTGA. The duplication causes a frameshift, which changes a Serine to an Isoleucine at codon 1144, and creates a premature stop codon at position 22 of the new reading frame. Even though this frameshift occurs in the last exon of the gene, and nonsense-mediated decay is not expected to occur, it is significant since the last 1700 amino acids are replaced by 21 incorrect amino acids and is predicted to cause loss of normal protein function through protein truncation. This variant has not, to our knowledge, been reported in the literature. We consider this variant to be pathogenic.

NM_000038.6(APC):c.3429_3430dup (p.Ser1144fs)

Gene: APC (APC regulator of WNT signaling pathway; plus strand). Cytogenetic location: 5q22.2.
Variant type: Microsatellite.
Coding change: c.3429_3430dup on transcript NM_000038.6 (MANE Select); coding-DNA positions 3429 to 3430, 2 bases duplicated (TA; older notation c.3429_3430dupTA).
Protein change: p.Ser1144fs; shifts the reading frame from serine 1144.
Molecular consequence: frameshift variant.
Genome position (GRCh38, 1-based): chr5:112,839,023-112,839,024, TA duplicated; duplicating any 2 consecutive bases within chr5:112,839,021-112,839,024 gives the same sequence; the c. name uses the placement nearest the transcript's 3' end. VCF-style (leftmost placement, unchanged base first): chr5-112839020-T-TTA. GRCh37 (hg19) VCF-style: chr5-112174717-T-TTA.
Other names: c.3429_3430dup, p.Ser1144fs (NM_001127510.3, NM_001354895.2); c.3375_3376dup, p.Ser1126fs (NM_001127511.3); c.3483_3484dup, p.Ser1162fs (NM_001354896.2); c.3459_3460dup, p.Ser1154fs (NM_001354897.2); c.3354_3355dup, p.Ser1119fs (NM_001354898.2); c.3345_3346dup, p.Ser1116fs (NM_001354899.2); c.3306_3307dup, p.Ser1103fs (NM_001354900.2); c.3252_3253dup, p.Ser1085fs (NM_001354901.2); and 5 more; short protein forms S1154fs, S1018fs, S1053fs, S1126fs, S1144fs, S1085fs, S1043fs, S1103fs.
Identifiers: ClinVar variation 246198 (VCV000246198.1), dbSNP rs879254148, ClinGen allele CA10584248.
Genomic context (GRCh38, chr5:112,839,020, plus strand): 5'-TCAAAATGTAAGCCAGTCTTTGTGTCAAGAAGATGACTATGAAGATGATAAGCCTACCAA[T>TTA]TATAGTGAACGTTACTCTGAAGAAGAACAGCATGAAGAAGAAGAGAGACCAACAAATTAT-3'